The following is an entry in ClinVar:

NM_001004356.3(FGFRL1):c.502G>C (p.Val168Leu)

Gene: FGFRL1 (fibroblast growth factor receptor like 1; plus strand). Cytogenetic location: 4p16.3.
Variant type: single nucleotide variant.
Coding change: c.502G>C on transcript NM_001004356.3 (MANE Select); coding-DNA position 502, G replaced by C.
Protein change: p.Val168Leu; replaces valine 168 with leucine.
Molecular consequence: missense variant.
Genome position (GRCh38, 1-based): chr4:1,023,885, G>C. VCF-style: chr4-1023885-G-C. GRCh37 (hg19) VCF-style: chr4-1017673-G-C.
Other names: c.502G>C, p.Val168Leu (NM_001004358.1, NM_001370296.1, NM_021923.3); short protein forms V168L.
Identifiers: ClinVar variation 4781592 (VCV004781592.1).
Genomic context (GRCh38, chr4:1,023,885, plus strand): 5'-CGCTTCACACAGCCCTCCAAGATGAGGCGCCGGGTGATCGCACGGCCCGTGGGTAGCTCC[G>C]TGCGGCTCAAGTGCGTGGCCAGCGGGCACCCTCGGCCCGACATCACGTGGATGAAGGACG-3'
Protein context (NP_001004356.1, residues 158-178): RVIARPVGSS[Val168Leu]RLKCVASGHP

ClinVar aggregate classification (germline): Uncertain significance (1 of 4 stars; one submission).

Submission:

Labcorp Genetics (formerly Invitae), Labcorp
Classification: Uncertain significance. Last evaluated: 2025-02-14. Review status: criteria provided, single submitter. Criteria: Invitae Variant Classification Sherloc (09022015). Collection method: clinical testing. Allele origin: germline.
Comment: This sequence change replaces valine, which is neutral and non-polar, with leucine, which is neutral and non-polar, at codon 168 of the FGFRL1 protein (p.Val168Leu). This variant is present in population databases (no rsID available, gnomAD 0.003%). This variant has not been reported in the literature in individuals affected with FGFRL1-related conditions. An algorithm developed to predict the effect of missense changes on protein structure and function (PolyPhen-2) suggests that this variant is likely to be tolerated. In summary, the available evidence is currently insufficient to determine the role of this variant in disease. Therefore, it has been classified as a Variant of Uncertain Significance.